The following is an entry in ClinVar:

NM_000719.7(CACNA1C):c.846C>T (p.Tyr282=)

Gene: CACNA1C (calcium voltage-gated channel subunit alpha1 C; plus strand). Cytogenetic location: 12p13.33.
Variant type: single nucleotide variant.
Coding change: c.846C>T on transcript NM_000719.7 (MANE Select); coding-DNA position 846, C replaced by T.
Protein change: p.Tyr282=; no amino-acid change (tyrosine 282 retained).
Molecular consequence: synonymous variant.
Genome position (GRCh38, 1-based): chr12:2,486,192, C>T. VCF-style: chr12-2486192-C-T. GRCh37 (hg19) VCF-style: chr12-2595358-C-T.
Other names: p.Y282Y:TAC>TAT; c.846C>T, p.Tyr282= (NM_001129827.2, NM_001129829.2, NM_001129830.3 and 19 more transcripts).
Identifiers: ClinVar variation 136612 (VCV000136612.52), dbSNP rs200847105, ClinGen allele CA289796.

ClinVar aggregate classification (germline): Benign/Likely benign. Review status: criteria provided, multiple submitters, no conflicts (2 of 4 stars). 7 submissions from 7 submitters: Benign (3); Likely benign (4). Last evaluated 2026-04-01.

Conditions:
Cardiovascular phenotype. Identifiers: MedGen CN230736.
Long QT syndrome (LQTS). Identifiers: MedGen C0023976, MeSH D008133, MONDO:0002442. Disease mechanism: loss of function. Inheritance: Various modes of inheritance.

Allele frequency attached by ClinVar (database versions not stated): ESP Exome Variant Server 0.00015; gnomAD exomes 0.00024 and 0.00042; gnomAD 0.00027; TOPMed 0.00030; ExAC 0.00034.

Submissions (7):

CeGaT Center for Human Genetics Tuebingen
Classification: Likely benign. Last evaluated: 2026-04-01. Review status: criteria provided, single submitter. Criteria: CeGaT Center For Human Genetics Tuebingen Variant Classification Criteria Version 2. Collection method: clinical testing. Allele origin: germline. Affected: yes. Observed: 6 variant alleles.
Comment: CACNA1C: BP4, BP7

Labcorp Genetics (formerly Invitae), Labcorp
Classification: Likely benign for Long QT syndrome. Last evaluated: 2026-01-21. Review status: criteria provided, single submitter. Criteria: Invitae Variant Classification Sherloc (09022015). Collection method: clinical testing. Allele origin: germline.

ARUP Laboratories, Molecular Genetics and Genomics, ARUP Laboratories
Classification: Benign. Last evaluated: 2025-03-28. Review status: criteria provided, single submitter. Criteria: ARUP Molecular Germline Variant Investigation Process 2024. Collection method: clinical testing. Allele origin: germline.

Blueprint Genetics
Classification: Benign. Last evaluated: 2024-10-07. Review status: criteria provided, single submitter. Criteria: ACMG Guidelines, 2015. Collection method: clinical testing. Allele origin: germline.

Women's Health and Genetics/Laboratory Corporation of America, LabCorp
Classification: Benign. Last evaluated: 2020-10-31. Review status: criteria provided, single submitter. Criteria: LabCorp Variant Classification Summary - May 2015. Collection method: clinical testing. Allele origin: germline.

GeneDx
Classification: Likely benign. Last evaluated: 2020-10-21. Review status: criteria provided, single submitter. Criteria: GeneDx Variant Classification Process June 2021. Collection method: clinical testing. Allele origin: germline. Affected: yes.

Ambry Genetics
Classification: Likely benign for Cardiovascular phenotype. Last evaluated: 2017-12-15. Review status: criteria provided, single submitter. Criteria: Ambry Variant Classification Scheme 2023. Collection method: clinical testing. Allele origin: germline.